The following is an entry in ClinVar:

NM_000836.4(GRIN2D):c.705G>C (p.Gln235His)

Gene: GRIN2D (glutamate ionotropic receptor NMDA type subunit 2D; plus strand). Cytogenetic location: 19q13.33.
Variant type: single nucleotide variant.
Coding change: c.705G>C on transcript NM_000836.4 (MANE Select); coding-DNA position 705, G replaced by C.
Protein change: p.Gln235His; replaces glutamine 235 with histidine.
Molecular consequence: missense variant.
Genome position (GRCh38, 1-based): chr19:48,404,973, G>C. VCF-style: chr19-48404973-G-C. GRCh37 (hg19) VCF-style: chr19-48908230-G-C.
Other names: c.705G>C (NM_000836.2); short protein forms Q235H.
Identifiers: ClinVar variation 2782257 (VCV002782257.4), dbSNP rs748558946, ClinGen allele CA9550372.

ClinVar aggregate classification (germline): Uncertain significance. Review status: criteria provided, multiple submitters, no conflicts (2 of 4 stars). 2 submissions from 2 submitters: Uncertain significance (2). Last evaluated 2025-11-24.

Conditions:
Inborn genetic diseases. Identifiers: MedGen C0950123, MeSH D030342.

Allele frequency attached by ClinVar (database versions not stated): gnomAD 0.00001; TOPMed 0.00001; gnomAD exomes below 0.00001.
gnomAD v4.1: 6 of 1,612,288 alleles (0.00037%); highest among the groups gnomAD compares: South Asian, 0.0011%; no homozygotes.

Submissions (2):

Labcorp Genetics (formerly Invitae), Labcorp
Classification: Uncertain significance. Last evaluated: 2025-11-24. Review status: criteria provided, single submitter. Criteria: Invitae Variant Classification Sherloc (09022015). Collection method: clinical testing. Allele origin: germline.
Comment: This sequence change replaces glutamine, which is neutral and polar, with histidine, which is basic and polar, at codon 235 of the GRIN2D protein (p.Gln235His). This variant is present in population databases (rs748558946, gnomAD 0.003%). This variant has not been reported in the literature in individuals affected with GRIN2D-related conditions. ClinVar contains an entry for this variant (Variation ID: 2782257). Invitae Evidence Modeling of protein sequence and biophysical properties (such as structural, functional, and spatial information, amino acid conservation, physicochemical variation, residue mobility, and thermodynamic stability) indicates that this missense variant is not expected to disrupt GRIN2D protein function with a negative predictive value of 80%. In summary, the available evidence is currently insufficient to determine the role of this variant in disease. Therefore, it has been classified as a Variant of Uncertain Significance.

Ambry Genetics
Classification: Uncertain significance for Inborn genetic diseases. Last evaluated: 2025-03-26. Review status: criteria provided, single submitter. Criteria: Ambry Variant Classification Scheme 2023. Collection method: clinical testing. Allele origin: germline.